The following is an entry in ClinVar:

NM_020166.5(MCCC1):c.1495A>G (p.Ser499Gly)

Gene: MCCC1 (methylcrotonyl-CoA carboxylase subunit 1; minus strand). Cytogenetic location: 3q27.1.
Variant type: single nucleotide variant.
Coding change: c.1495A>G on transcript NM_020166.5 (MANE Select); coding-DNA position 1495, A replaced by G.
Protein change: p.Ser499Gly; replaces serine 499 with glycine.
Molecular consequence: missense variant. On other transcripts: non-coding transcript variant (1).
Genome position (GRCh38, 1-based): chr3:183,037,317, T>C on the plus strand (A>G on the coding strand, the complement: MCCC1 is on the minus strand). VCF-style: chr3-183037317-T-C. GRCh37 (hg19) VCF-style: chr3-182755105-T-C.
Other names: c.1144A>G, p.Ser382Gly (NM_001293273.2); c.1168A>G, p.Ser390Gly (NM_001363880.1); short protein forms S499G, S382G, S390G.
Identifiers: ClinVar variation 2890388 (VCV002890388.1), dbSNP rs201168029, ClinGen allele CA355320467.

ClinVar aggregate classification (germline): Uncertain significance (1 of 4 stars; one submission).

Conditions:
3-methylcrotonyl-CoA carboxylase 1 deficiency (MCC1D). Also called: MCCD TYPE 1; METHYLCROTONYLGLYCINURIA TYPE I; MCC 1 deficiency; 3 Alpha methylcrotonylglycinuria 1. Identifiers: Orphanet 6, MedGen CN028786, MONDO:0008861, OMIM 210200.

Allele frequency attached by ClinVar (database versions not stated): TOPMed below 0.00001.
gnomAD v4.1: 5 of 1,614,180 alleles (0.00031%); highest among the groups gnomAD compares: Non-Finnish European, 0.00042%; no homozygotes.

Submission:

Labcorp Genetics (formerly Invitae), Labcorp
Classification: Uncertain significance for 3-methylcrotonyl-CoA carboxylase 1 deficiency. Last evaluated: 2023-10-13. Review status: criteria provided, single submitter. Criteria: Invitae Variant Classification Sherloc (09022015). Collection method: clinical testing. Allele origin: germline.
Comment: This sequence change replaces serine, which is neutral and polar, with glycine, which is neutral and non-polar, at codon 499 of the MCCC1 protein (p.Ser499Gly). This variant is present in population databases (no rsID available, gnomAD 0.0009%). This variant has not been reported in the literature in individuals affected with MCCC1-related conditions. Advanced modeling of protein sequence and biophysical properties (such as structural, functional, and spatial information, amino acid conservation, physicochemical variation, residue mobility, and thermodynamic stability) performed at Invitae indicates that this missense variant is not expected to disrupt MCCC1 protein function. In summary, the available evidence is currently insufficient to determine the role of this variant in disease. Therefore, it has been classified as a Variant of Uncertain Significance.